The following is an entry in ClinVar:

ClinVar aggregate classification (germline): Pathogenic (1 of 4 stars; one submission).

Allele frequency attached by ClinVar (database versions not stated): TOPMed below 0.00001.

Submission:

Labcorp Genetics (formerly Invitae), Labcorp
Classification: Pathogenic. Last evaluated: 2022-09-23. Review status: criteria provided, single submitter. Criteria: Invitae Variant Classification Sherloc (09022015). Collection method: clinical testing. Allele origin: germline.
Comment: This sequence change replaces glycine, which is neutral and non-polar, with arginine, which is basic and polar, at codon 1751 of the USH2A protein (p.Gly1751Arg). This variant is not present in population databases (gnomAD no frequency). This missense change has been observed in individual(s) with Usher syndrome (Invitae). Advanced modeling of protein sequence and biophysical properties (such as structural, functional, and spatial information, amino acid conservation, physicochemical variation, residue mobility, and thermodynamic stability) performed at Invitae indicates that this missense variant is expected to disrupt USH2A protein function. Algorithms developed to predict the effect of sequence changes on RNA splicing suggest that this variant may disrupt the consensus splice site. This variant disrupts the p.Gly1751 amino acid residue in USH2A. Other variant(s) that disrupt this residue have been observed in individuals with USH2A-related conditions (PMID: 22135276; Invitae), which suggests that this may be a clinically significant amino acid residue. For these reasons, this variant has been classified as Pathogenic.

Literature cited by the submitters: PubMed 22135276.

NM_206933.4(USH2A):c.5251G>A (p.Gly1751Arg)

Genes: USH2A (usherin; minus strand), USH2A-AS2 (USH2A antisense RNA 2; plus strand). Cytogenetic location: 1q41.
Variant type: single nucleotide variant.
Coding change: c.5251G>A on transcript NM_206933.4 (MANE Select); coding-DNA position 5251, G replaced by A.
Protein change: p.Gly1751Arg; replaces glycine 1751 with arginine.
Molecular consequence: missense variant.
Genome position (GRCh38, 1-based): chr1:216,083,503, C>T on the plus strand (G>A on the coding strand, the complement: USH2A is on the minus strand). VCF-style: chr1-216083503-C-T. GRCh37 (hg19) VCF-style: chr1-216256845-C-T.
Other names: short protein forms G1751R.
Identifiers: ClinVar variation 2007627 (VCV002007627.4), dbSNP rs2032018454, ClinGen allele CA344857927.
Genomic context (GRCh38, chr1:216,083,503, plus strand): 5'-TTAATTCACATACAGCAAGAAAATCAGGTCCATCTTTGTTATAAACGAAAAGAAGCAATC[C>T]ATTTAATTGGTCAGTTCTGAACTTAAAGGAAATCTCAAAGTTCATTCCACCATGAAACAT-3'
Protein context (NP_996816.3, residues 1741-1761): SFKFRTDQLN[Gly1751Arg]LLLFVYNKDG